The following is an entry in ClinVar:

ClinVar aggregate classification (germline): Likely pathogenic (1 of 4 stars; one submission).

Conditions:
Developmental and epileptic encephalopathy 111 (DEE111). Identifiers: MedGen C5882690, MONDO:0957780, OMIM 620504.
Epilepsy, familial focal, with variable foci 1 (FFEVF1). Also called: DEPDC5-Related Epilepsy. Identifiers: MedGen C4551983, MONDO:0024556, OMIM 604364.

Submission:

Juno Genomics, Hangzhou Juno Genomics, Inc
Classification: Likely pathogenic for Developmental and epileptic encephalopathy 111; Epilepsy, familial focal, with variable foci 1. Review status: criteria provided, single submitter. Criteria: ACMG Guidelines, 2015. Collection method: clinical testing. Allele origin: germline.
Comment: Null variant in a gene where loss of function (LOF) is a known mechanism of disease.;Absent from controls (or at extremely low frequency if recessive) in Genome Aggregation Database.

NM_001242896.3(DEPDC5):c.3259del (p.Arg1087fs)

Gene: DEPDC5 (DEP domain containing 5, GATOR1 subcomplex subunit; plus strand). Cytogenetic location: 22q12.3.
Variant type: Deletion.
Coding change: c.3259del on transcript NM_001242896.3 (MANE Select); coding-DNA position 3259, one base deleted (C; older notation c.3259delC).
Protein change: p.Arg1087fs; shifts the reading frame from arginine 1087.
Molecular consequence: frameshift variant. On other transcripts: non-coding transcript variant (5).
Genome position (GRCh38, 1-based): chr22:31,857,548, C deleted. VCF-style (leftmost placement, unchanged base first): chr22-31857547-AC-A. GRCh37 (hg19) VCF-style: chr22-32253533-AC-A.
Other names: c.3232del, p.Arg1078fs (NM_001136029.4, NM_001369903.1, NM_014662.6); c.3025del, p.Arg1009fs (NM_001242897.2, NM_001363854.2, NM_001364319.2); c.3259del, p.Arg1087fs (NM_001363852.2, NM_001364318.2, NM_001364320.2); c.3175del, p.Arg1059fs (NM_001369901.1, NM_001369902.1); short protein forms R1087fs, R1078fs, R1009fs, R1059fs.
Identifiers: ClinVar variation 5006482 (VCV005006482.2).